The following is an entry in ClinVar:

ClinVar aggregate classification (germline): Uncertain significance (1 of 4 stars; one submission).

Allele frequency attached by ClinVar (database versions not stated): gnomAD exomes below 0.00001; gnomAD 0.00001; TOPMed 0.00001.
gnomAD v4.1: 2 of 1,613,972 alleles (0.00012%); highest among the groups gnomAD compares: Non-Finnish European, 0.00017%; no homozygotes.

Submission:

Labcorp Genetics (formerly Invitae), Labcorp
Classification: Uncertain significance. Last evaluated: 2024-01-15. Review status: criteria provided, single submitter. Criteria: Invitae Variant Classification Sherloc (09022015). Collection method: clinical testing. Allele origin: germline.
Comment: This sequence change falls in intron 2 of the COL7A1 gene. It does not directly change the encoded amino acid sequence of the COL7A1 protein. This variant is not present in population databases (gnomAD no frequency). This variant has not been reported in the literature in individuals affected with COL7A1-related conditions. Algorithms developed to predict the effect of sequence changes on RNA splicing suggest that this variant may disrupt the consensus splice site. In summary, the available evidence is currently insufficient to determine the role of this variant in disease. Therefore, it has been classified as a Variant of Uncertain Significance.

NM_000094.4(COL7A1):c.267-4A>G

Gene: COL7A1 (collagen type VII alpha 1 chain; minus strand). Cytogenetic location: 3p21.31.
Variant type: single nucleotide variant.
Coding change: c.267-4A>G on transcript NM_000094.4 (MANE Select); 4 bases into the intron before coding-DNA position 267, A replaced by G.
Molecular consequence: intron variant.
Genome position (GRCh38, 1-based): chr3:48,593,700, T>C on the plus strand (A>G on the coding strand, the complement: COL7A1 is on the minus strand). VCF-style: chr3-48593700-T-C. GRCh37 (hg19) VCF-style: chr3-48631133-T-C.
Identifiers: ClinVar variation 2732064 (VCV002732064.3), dbSNP rs1253389568, ClinGen allele CA907759990.